The following is an entry in ClinVar:

NM_173630.4(RTTN):c.3425T>G (p.Leu1142Arg)

Gene: RTTN (rotatin; minus strand). Cytogenetic location: 18q22.2.
Variant type: single nucleotide variant.
Coding change: c.3425T>G on transcript NM_173630.4 (MANE Select); coding-DNA position 3425, T replaced by G.
Protein change: p.Leu1142Arg; replaces leucine 1142 with arginine.
Molecular consequence: missense variant.
Genome position (GRCh38, 1-based): chr18:70,121,659, A>C on the plus strand (T>G on the coding strand, the complement: RTTN is on the minus strand). VCF-style: chr18-70121659-A-C. GRCh37 (hg19) VCF-style: chr18-67788895-A-C.
Other names: c.689T>G, p.Leu230Arg (NM_001318520.2); short protein forms L1142R, L230R.
Identifiers: ClinVar variation 5008822 (VCV005008822.1).
Genomic context (GRCh38, chr18:70,121,659, plus strand): 5'-GAAGAATTTTTTCTTTGTTCCTTTATTAATTTATTTAAAAAATGTATGATATCTATTAGC[A>C]GTTTCTCATCTTCAGTGCAAGCAGGAAGCACCTGTAAAAACCTATAATGAAAAGACAATA-3'
Protein context (NP_775901.3, residues 1132-1152): VLPACTEDEK[Leu1142Arg]LIDIIHFLNK

ClinVar aggregate classification (germline): Uncertain significance (1 of 4 stars; one submission).

gnomAD v4.1: 4 of 1,569,308 alleles (0.00025%); highest among the groups gnomAD compares: Admixed American, 0.002%; no homozygotes.

Submission:

GeneDx
Classification: Uncertain significance. Last evaluated: 2026-03-08. Review status: criteria provided, single submitter. Criteria: GeneDx Variant Classification Process June 2021. Collection method: clinical testing. Allele origin: germline.
Comment: Not observed at significant frequency in large population cohorts (gnomAD); In silico analysis supports that this missense variant has a deleterious effect on protein structure/function; Has not been previously published as pathogenic or benign to our knowledge